The following is an entry in ClinVar:

NM_001348716.2(KDM6B):c.1180C>T (p.Pro394Ser)

Gene: KDM6B (lysine demethylase 6B; plus strand). Cytogenetic location: 17p13.1.
Variant type: single nucleotide variant.
Coding change: c.1180C>T on transcript NM_001348716.2 (MANE Select); coding-DNA position 1180, C replaced by T.
Protein change: p.Pro394Ser; replaces proline 394 with serine.
Molecular consequence: missense variant.
Genome position (GRCh38, 1-based): chr17:7,847,375, C>T. VCF-style: chr17-7847375-C-T. GRCh37 (hg19) VCF-style: chr17-7750693-C-T.
Other names: c.1180C>T, p.Pro394Ser (NM_001080424.2); short protein forms P394S.
Identifiers: ClinVar variation 1712874 (VCV001712874.2), dbSNP rs2078574272, ClinGen allele CA397916214.
Genomic context (GRCh38, chr17:7,847,375, plus strand): 5'-GTTTCACCAGCAGCAACCACCGCCTGCGTGCCTTACGCCCCTTCCCGGCCCCCTGGCCTC[C>T]CCGGCACCACCACCAGCAGCAGCAGTAGCAGCAGCAGCAACACTGGTCTCCGGGGCGTGG-3'
Protein context (NP_001335645.1, residues 384-404): PYAPSRPPGL[Pro394Ser]GTTTSSSSSS

ClinVar aggregate classification (germline): Uncertain significance (1 of 4 stars; one submission).

gnomAD v4.1: 1 of 1,613,122 alleles (0.000062%); no homozygotes.

Submission:

GeneDx
Classification: Uncertain significance. Last evaluated: 2022-04-28. Review status: criteria provided, single submitter. Criteria: GeneDx Variant Classification Process June 2021. Collection method: clinical testing. Allele origin: germline. Affected: yes.
Comment: Not observed at significant frequency in large population cohorts (gnomAD); In silico analysis supports that this missense variant does not alter protein structure/function; Has not been previously published as pathogenic or benign to our knowledge